The following is an entry in ClinVar:

NM_001355436.2(SPTB):c.1816C>T (p.Gln606Ter)

Gene: SPTB (spectrin beta, erythrocytic; minus strand). Cytogenetic location: 14q23.3.
Variant type: single nucleotide variant.
Coding change: c.1816C>T on transcript NM_001355436.2 (MANE Select); coding-DNA position 1816, C replaced by T.
Protein change: p.Gln606Ter; replaces glutamine 606 with a stop codon.
Molecular consequence: nonsense.
Genome position (GRCh38, 1-based): chr14:64,793,847, G>A on the plus strand (C>T on the coding strand, the complement: SPTB is on the minus strand). VCF-style: chr14-64793847-G-A. GRCh37 (hg19) VCF-style: chr14-65260565-G-A.
Other names: c.1816C>T, p.Gln606Ter (NM_001024858.4, NM_001355437.2); short protein forms Q606*.
Identifiers: ClinVar variation 1929452 (VCV001929452.5), dbSNP rs2503163247, ClinGen allele CA390021003.

ClinVar aggregate classification (germline): Pathogenic (1 of 4 stars; one submission).

Submission:

Labcorp Genetics (formerly Invitae), Labcorp
Classification: Pathogenic. Last evaluated: 2021-12-13. Review status: criteria provided, single submitter. Criteria: Invitae Variant Classification Sherloc (09022015). Collection method: clinical testing. Allele origin: germline.
Comment: For these reasons, this variant has been classified as Pathogenic. This premature translational stop signal has been observed in individual(s) with hereditary spherocytosis (PMID: 31980736). This variant is not present in population databases (gnomAD no frequency). This sequence change creates a premature translational stop signal (p.Gln606*) in the SPTB gene. It is expected to result in an absent or disrupted protein product. Loss-of-function variants in SPTB are known to be pathogenic (PMID: 8844207, 26830532, 27292444).

Literature cited by the submitters: PubMed 31980736; PubMed 8844207; PubMed 26830532; PubMed 27292444.